The following is an entry in ClinVar:

ClinVar aggregate classification (germline): Uncertain significance (1 of 4 stars; one submission).

Allele frequency attached by ClinVar (database versions not stated): gnomAD 0.00003; gnomAD exomes 0.00003; TOPMed 0.00007; ExAC 0.00015.
gnomAD v4.1: 54 of 1,614,040 alleles (0.0033%); highest among the groups gnomAD compares: Admixed American, 0.09%; no homozygotes.

Submission:

Labcorp Genetics (formerly Invitae), Labcorp
Classification: Uncertain significance. Last evaluated: 2022-08-10. Review status: criteria provided, single submitter. Criteria: Invitae Variant Classification Sherloc (09022015). Collection method: clinical testing. Allele origin: germline.
Comment: This variant is present in population databases (rs753274780, gnomAD 0.1%). This sequence change replaces histidine, which is basic and polar, with arginine, which is basic and polar, at codon 1631 of the EXPH5 protein (p.His1631Arg). This variant has not been reported in the literature in individuals affected with EXPH5-related conditions. In summary, the available evidence is currently insufficient to determine the role of this variant in disease. Therefore, it has been classified as a Variant of Uncertain Significance. Algorithms developed to predict the effect of missense changes on protein structure and function output the following: SIFT: "Tolerated"; PolyPhen-2: "Benign"; Align-GVGD: "Class C0". The arginine amino acid residue is found in multiple mammalian species, which suggests that this missense change does not adversely affect protein function.

NM_015065.3(EXPH5):c.4892A>G (p.His1631Arg)

Gene: EXPH5 (exophilin 5; minus strand). Cytogenetic location: 11q22.3.
Variant type: single nucleotide variant.
Coding change: c.4892A>G on transcript NM_015065.3 (MANE Select); coding-DNA position 4892, A replaced by G.
Protein change: p.His1631Arg; replaces histidine 1631 with arginine.
Molecular consequence: missense variant.
Genome position (GRCh38, 1-based): chr11:108,510,615, T>C on the plus strand (A>G on the coding strand, the complement: EXPH5 is on the minus strand). VCF-style: chr11-108510615-T-C. GRCh37 (hg19) VCF-style: chr11-108381342-T-C.
Other names: c.4664A>G, p.His1555Arg (NM_001144763.2); c.4424A>G, p.His1475Arg (NM_001144764.2); c.4328A>G, p.His1443Arg (NM_001144765.2); c.4871A>G, p.His1624Arg (NM_001308019.2); short protein forms H1443R, H1475R, H1555R, H1624R, H1631R.
Identifiers: ClinVar variation 2051058 (VCV002051058.3), dbSNP rs753274780, ClinGen allele CA6267443.